The following is an entry in ClinVar:

NM_005916.5(MCM7):c.401+2dup

Gene: MCM7 (minichromosome maintenance complex component 7; minus strand). Cytogenetic location: 7q22.1.
Variant type: Duplication.
Coding change: c.401+2dup on transcript NM_005916.5 (MANE Select); the canonical splice donor site of the intron after coding-DNA position 401, one base duplicated (T; older notation c.401+2dupT).
Molecular consequence: splice donor variant. On other transcripts: 5 prime UTR variant (2).
Genome position (GRCh38, 1-based): chr7:100,099,277, A duplicated on the plus strand (T on the coding strand, the reverse complement: MCM7 is on the minus strand). VCF-style (leftmost placement, unchanged base first): chr7-100099276-C-CA. GRCh37 (hg19) VCF-style: chr7-99696899-C-CA.
Other names: c.-201dup (NM_001278595.2, NM_182776.3); c.80+2dup (NM_001439272.1, NM_001439273.1, NM_001439271.1).
Identifiers: ClinVar variation 4884713 (VCV004884713.1).
Genomic context (GRCh38, chr7:100,099,276, plus strand): 5'-AACAGTCACAAACAAGATCCTGGAGAACCAATCCCTACATCTTTCCCGACAGAGACCACT[C>CA]ACAATCTGCGCATGAGTTCAGCAGGGTACTGGTTCTGGGGGCTTCGGACCATCCCAGGGT-3'

ClinVar aggregate classification (germline): Pathogenic (1 of 4 stars; one submission).

Conditions:
Multi-system disorder with neonatal progeroid appearance, lipodystrophy and adrenal insufficiency.

Submission:

Center for Precision Medicine, University Hospital Brno
Classification: Pathogenic for Multi-system disorder with neonatal progeroid appearance, lipodystrophy and adrenal insufficiency. Last evaluated: 2026-07-28. Review status: criteria provided, single submitter. Criteria: ACMG Guidelines, 2015. Collection method: clinical testing, in vitro. Allele origin: germline, not applicable. Inheritance: Autosomal recessive inheritance. Affected: yes. Functional consequence: retained intron.
Comment: RNA analysis of the variant NM_005916.5:c.401+2dup confirmed that the mutation leads to the loss of the consensus splice site, the retention of 76 nucleotides from intron 4 (including a duplicated base at position c.401+2), and consequently a shift in the reading frame and premature termination of translation at p.Phe134LeufsTer26. Acccording to ACGS Best Practice Guidelines for Variant Classification in Rare Disease (2024; extending ACMG/AMP Guidelines 2015), the PVS1 criterion may be applied, together with PM3 (the variant was detected in trans with a likely pathogenic variant in the patient). The variant is therefore classified as pathogenic.